The following is an entry in ClinVar:

NM_000188.3(HK1):c.949G>A (p.Gly317Ser)

Gene: HK1 (hexokinase 1; plus strand). Cytogenetic location: 10q22.1.
Variant type: single nucleotide variant.
Coding change: c.949G>A on transcript NM_000188.3 (MANE Select); coding-DNA position 949, G replaced by A.
Protein change: p.Gly317Ser; replaces glycine 317 with serine.
Molecular consequence: missense variant.
Genome position (GRCh38, 1-based): chr10:69,377,007, G>A. VCF-style: chr10-69377007-G-A. GRCh37 (hg19) VCF-style: chr10-71136763-G-A.
Other names: c.949G>A (NM_000188.2); c.961G>A, p.Gly321Ser (NM_001322364.2, NM_001358263.1, NM_033497.3 and 1 more transcripts); c.1054G>A, p.Gly352Ser (NM_001322365.2); c.865G>A, p.Gly289Ser (NM_001322366.1); c.853G>A, p.Gly285Ser (NM_001322367.1); c.946G>A, p.Gly316Ser (NM_033496.3); c.913G>A, p.Gly305Ser (NM_033500.2); short protein forms G285S, G289S, G305S, G316S, G317S, G321S, G352S.
Identifiers: ClinVar variation 994250 (VCV000994250.17), dbSNP rs202028638, ClinGen allele CA209243869.
Genomic context (GRCh38, chr10:69,377,007, plus strand): 5'-GTCAGTGGCATGTACTTGGGAGAGCTGGTTCGACTGATCCTAGTCAAGATGGCCAAGGAG[G>A]GCCTCTTATTTGAAGGGCGGATCACCCCGGAGCTGCTCACCCGAGGGAAGTTTAACACCA-3'
Protein context (NP_000179.2, residues 307-327): RLILVKMAKE[Gly317Ser]LLFEGRITPE

ClinVar aggregate classification (germline): Uncertain significance. Review status: criteria provided, multiple submitters, no conflicts (2 of 4 stars). 6 submissions from 6 submitters: Uncertain significance (6). Last evaluated 2025-05-06.

Conditions:
Inborn genetic diseases. Identifiers: MedGen C0950123, MeSH D030342.
Retinitis pigmentosa 79 (RP79). Identifiers: MedGen C4479526, MONDO:0044320, OMIM 617460.
Charcot-Marie-Tooth disease type 4G. Also called: CHARCOT-MARIE-TOOTH NEUROPATHY, TYPE 4G; CHARCOT-MARIE-TOOTH DISEASE, DEMYELINATING, TYPE 4G; Neuropathy, hereditary motor and sensory, Russe type. Identifiers: Orphanet 99953, MedGen C1854449, MONDO:0011534, OMIM 605285.
Neurodevelopmental disorder with visual defects and brain anomalies. Identifiers: MedGen C5231404, MONDO:0032807, OMIM 618547.
Hemolytic anemia due to hexokinase deficiency (CNSHA5). Also called: HEMOLYTIC ANEMIA, NONSPHEROCYTIC, DUE TO HEXOKINASE DEFICIENCY; Hexokinase deficiency hemolytic anemia; Non-spherocytic hemolytic anemia due to hexokinase deficiency; ANEMIA, CONGENITAL, NONSPHEROCYTIC HEMOLYTIC, 5. Identifiers: Orphanet 90031, MedGen C3150343, MONDO:0009340, OMIM 235700.

Allele frequency attached by ClinVar (database versions not stated): gnomAD 0.00002; TOPMed 0.00002; gnomAD exomes 0.00001 and 0.00002.
gnomAD v4.1: 35 of 1,613,966 alleles (0.0022%); highest among the groups gnomAD compares: Non-Finnish European, 0.0027%; no homozygotes.

Submissions (6):

GeneDx
Classification: Uncertain significance. Last evaluated: 2025-05-06. Review status: criteria provided, single submitter. Criteria: GeneDx Variant Classification Process June 2021. Collection method: clinical testing. Allele origin: germline. Affected: yes.
Comment: In silico analysis supports that this missense variant has a deleterious effect on protein structure/function; Has not been previously published as pathogenic or benign to our knowledge

Labcorp Genetics (formerly Invitae), Labcorp
Classification: Uncertain significance. Last evaluated: 2024-03-27. Review status: criteria provided, single submitter. Criteria: Invitae Variant Classification Sherloc (09022015). Collection method: clinical testing. Allele origin: germline.
Comment: This sequence change replaces glycine, which is neutral and non-polar, with serine, which is neutral and polar, at codon 317 of the HK1 protein (p.Gly317Ser). This variant is present in population databases (rs202028638, gnomAD 0.004%). This variant has not been reported in the literature in individuals affected with HK1-related conditions. ClinVar contains an entry for this variant (Variation ID: 994250). Advanced modeling of protein sequence and biophysical properties (such as structural, functional, and spatial information, amino acid conservation, physicochemical variation, residue mobility, and thermodynamic stability) performed at Invitae indicates that this missense variant is not expected to disrupt HK1 protein function with a negative predictive value of 80%. In summary, the available evidence is currently insufficient to determine the role of this variant in disease. Therefore, it has been classified as a Variant of Uncertain Significance.

Ambry Genetics
Classification: Uncertain significance for Inborn genetic diseases. Last evaluated: 2023-10-03. Review status: criteria provided, single submitter. Criteria: Ambry Variant Classification Scheme 2023. Collection method: clinical testing. Allele origin: germline.

Fulgent Genetics
Classification: Uncertain significance for Hemolytic anemia due to hexokinase deficiency; Charcot-Marie-Tooth disease type 4G; Retinitis pigmentosa 79; Neurodevelopmental disorder with visual defects and brain anomalies. Last evaluated: 2022-05-20. Review status: criteria provided, single submitter. Criteria: ACMG Guidelines, 2015. Collection method: clinical testing. Allele origin: unknown.

Blueprint Genetics
Classification: Uncertain significance. Last evaluated: 2021-11-03. Review status: criteria provided, single submitter. Criteria: ACMG Guidelines, 2015. Collection method: clinical testing. Allele origin: germline.

ARUP Laboratories, Molecular Genetics and Genomics, ARUP Laboratories
Classification: Uncertain significance. Last evaluated: 2020-02-03. Review status: criteria provided, single submitter. Criteria: ARUP Molecular Germline Variant Investigation Process. Collection method: clinical testing. Allele origin: germline.